The following is an entry in ClinVar:

NM_001165963.4(SCN1A):c.1012A>T (p.Asn338Tyr)

Gene: SCN1A (sodium voltage-gated channel alpha subunit 1; minus strand). Cytogenetic location: 2q24.3.
Variant type: single nucleotide variant.
Coding change: c.1012A>T on transcript NM_001165963.4 (MANE Select); coding-DNA position 1012, A replaced by T.
Protein change: p.Asn338Tyr; replaces asparagine 338 with tyrosine.
Molecular consequence: missense variant. On other transcripts: 5 prime UTR variant (1), non-coding transcript variant (1).
Genome position (GRCh38, 1-based): chr2:166,048,902, T>A on the plus strand (A>T on the coding strand, the complement: SCN1A is on the minus strand). VCF-style: chr2-166048902-T-A. GRCh37 (hg19) VCF-style: chr2-166905412-T-A.
Other names: c.1012A>T, p.Asn338Tyr (NM_001165964.3, NM_001202435.3, NM_001353948.2 and 10 more transcripts); c.-1414A>T (NM_001353961.2); short protein forms N338Y.
Identifiers: ClinVar variation 2854057 (VCV002854057.3), dbSNP rs2468199397, ClinGen allele CA349071590.

ClinVar aggregate classification (germline): Uncertain significance (1 of 4 stars; one submission).

Conditions:
Early-infantile DEE. Also called: Ohtahara syndrome; Early infantile epileptic encephalopathy with suppression bursts; Early infantile epileptic encephalopathy. Identifiers: Orphanet 1934, MedGen C0393706, MONDO:0800491.

Submission:

Labcorp Genetics (formerly Invitae), Labcorp
Classification: Uncertain significance for Early-infantile DEE. Last evaluated: 2023-04-09. Review status: criteria provided, single submitter. Criteria: Invitae Variant Classification Sherloc (09022015). Collection method: clinical testing. Allele origin: germline.
Comment: In summary, the available evidence is currently insufficient to determine the role of this variant in disease. Therefore, it has been classified as a Variant of Uncertain Significance. Advanced modeling of protein sequence and biophysical properties (such as structural, functional, and spatial information, amino acid conservation, physicochemical variation, residue mobility, and thermodynamic stability) performed at Invitae indicates that this missense variant is expected to disrupt SCN1A protein function. This variant has not been reported in the literature in individuals affected with SCN1A-related conditions. This variant is not present in population databases (gnomAD no frequency). This sequence change replaces asparagine, which is neutral and polar, with tyrosine, which is neutral and polar, at codon 338 of the SCN1A protein (p.Asn338Tyr).